The following is an entry in ClinVar:

ClinVar aggregate classification (germline): Likely pathogenic (1 of 4 stars; one submission).

Conditions:
Epidermodysplasia verruciformis. Identifiers: Orphanet 302, MedGen C0014522, MONDO:0009176.

Allele frequency attached by ClinVar (database versions not stated): gnomAD exomes 0.00001 and 0.00002; ExAC 0.00007; ESP Exome Variant Server 0.00008; gnomAD 0.00011; TOPMed 0.00019; 1000 Genomes Project 0.00020; 1000 Genomes Project 30x 0.00031.
gnomAD v4.1: 34 of 1,567,460 alleles (0.0022%); highest among the groups gnomAD compares: African/African-American, 0.043%; no homozygotes.

Submission:

Labcorp Genetics (formerly Invitae), Labcorp
Classification: Likely pathogenic for Epidermodysplasia verruciformis. Last evaluated: 2025-11-19. Review status: criteria provided, single submitter. Criteria: Invitae Variant Classification Sherloc (09022015). Collection method: clinical testing. Allele origin: germline.
Comment: This sequence change affects an acceptor splice site in intron 16 of the TMC6 gene. It is expected to disrupt RNA splicing. Variants that disrupt the donor or acceptor splice site typically lead to a loss of protein function (PMID: 16199547), and loss-of-function variants in TMC6 are known to be pathogenic (PMID: 15042430, 17139267). This variant is present in population databases (rs202217062, gnomAD 0.03%). This variant has not been reported in the literature in individuals affected with TMC6-related conditions. ClinVar contains an entry for this variant (Variation ID: 852379). Algorithms developed to predict the effect of sequence changes on RNA splicing suggest that this variant may disrupt the consensus splice site. In summary, the currently available evidence indicates that the variant is pathogenic, but additional data are needed to prove that conclusively. Therefore, this variant has been classified as Likely Pathogenic.

Literature cited by the submitters: PubMed 16199547; PubMed 15042430; PubMed 17139267.

NM_001127198.5(TMC6):c.2022-1G>C

Gene: TMC6 (transmembrane channel like 6; minus strand). Cytogenetic location: 17q25.3.
Variant type: single nucleotide variant.
Coding change: c.2022-1G>C on transcript NM_001127198.5 (MANE Select); the canonical splice acceptor site of the intron before coding-DNA position 2022, G replaced by C.
Molecular consequence: splice acceptor variant.
Genome position (GRCh38, 1-based): chr17:78,117,645, C>G on the plus strand (G>C on the coding strand, the complement: TMC6 is on the minus strand). VCF-style: chr17-78117645-C-G. GRCh37 (hg19) VCF-style: chr17-76113726-C-G.
Other names: c.1842-1G>C (NM_001374594.1, NM_001374593.1); c.2022-1G>C (NM_001374596.1, NM_007267.7, NM_001321185.1 and 2 more transcripts).
Identifiers: ClinVar variation 852379 (VCV000852379.8), dbSNP rs202217062, ClinGen allele CA8795451.